The following is an entry in ClinVar:

NM_152564.5(VPS13B):c.11863G>A (p.Val3955Met)

Gene: VPS13B (vacuolar protein sorting 13 homolog B; plus strand). Cytogenetic location: 8q22.2.
Variant type: single nucleotide variant.
Coding change: c.11863G>A on transcript NM_152564.5 (MANE Select); coding-DNA position 11863, G replaced by A.
Protein change: p.Val3955Met; replaces valine 3955 with methionine.
Molecular consequence: missense variant.
Genome position (GRCh38, 1-based): chr8:99,875,535, G>A. VCF-style: chr8-99875535-G-A. GRCh37 (hg19) VCF-style: chr8-100887763-G-A.
Other names: c.11938G>A, p.Val3980Met (NM_017890.5); short protein forms V3955M, V3980M.
Identifiers: ClinVar variation 2088094 (VCV002088094.3), dbSNP rs2492411883, ClinGen allele CA371795800.
Genomic context (GRCh38, chr8:99,875,535, plus strand): 5'-ATCACAAAGACATCTTGTCACCTGGCCCCCAGCTGTTCTTCCATGCAAATACCATGCCCT[G>A]TGGTGGCTGCAGAACCTCCCCCCTCCACTGTTAAAACATACCATTACCTGGTTGATCCAC-3'
Protein context (NP_689777.3, residues 3945-3965): SCSSMQIPCP[Val3955Met]VAAEPPPSTV

ClinVar aggregate classification (germline): Uncertain significance (1 of 4 stars; one submission).

Conditions:
Cohen syndrome (COH1). Also called: Cutis verticis gyrata, retinitis pigmentosa, and sensorineural deafness; PEPPER SYNDROME. Identifiers: Orphanet 193, MedGen C0265223, MONDO:0008999, OMIM 216550.

Allele frequency attached by ClinVar (database versions not stated): gnomAD exomes below 0.00001.
gnomAD v4.1: 2 of 1,614,108 alleles (0.00012%); highest among the groups gnomAD compares: Non-Finnish European, 0.00017%; no homozygotes.

Submission:

Labcorp Genetics (formerly Invitae), Labcorp
Classification: Uncertain significance for Cohen syndrome. Last evaluated: 2024-10-29. Review status: criteria provided, single submitter. Criteria: Invitae Variant Classification Sherloc (09022015). Collection method: clinical testing. Allele origin: germline.
Comment: This sequence change replaces valine, which is neutral and non-polar, with methionine, which is neutral and non-polar, at codon 3980 of the VPS13B protein (p.Val3980Met). This variant is not present in population databases (gnomAD no frequency). This variant has not been reported in the literature in individuals affected with VPS13B-related conditions. ClinVar contains an entry for this variant (Variation ID: 2088094). Invitae Evidence Modeling of protein sequence and biophysical properties (such as structural, functional, and spatial information, amino acid conservation, physicochemical variation, residue mobility, and thermodynamic stability) indicates that this missense variant is expected to disrupt VPS13B protein function with a positive predictive value of 80%. In summary, the available evidence is currently insufficient to determine the role of this variant in disease. Therefore, it has been classified as a Variant of Uncertain Significance.